The following is an entry in ClinVar:

NM_017909.4(RMND1):c.730-9_730-5del

Gene: RMND1 (required for meiotic nuclear division 1 homolog; minus strand). Cytogenetic location: 6q25.1.
Variant type: Deletion.
Coding change: c.730-9_730-5del on transcript NM_017909.4 (MANE Select); 9 bases into the intron before coding-DNA position 730 through 5 bases into the intron before coding-DNA position 730, 5 bases deleted (TTCTT; older notation c.730-9_730-5delTTCTT).
Molecular consequence: intron variant.
Genome position (GRCh38, 1-based): chr6:151,427,587-151,427,591, AAGAA deleted on the plus strand (TTCTT on the coding strand, the reverse complement: RMND1 is on the minus strand); deleting any 5 consecutive bases within chr6:151,427,587-151,427,594 gives the same sequence; the c. name uses the placement nearest the transcript's 3' end. VCF-style (leftmost placement, unchanged base first): chr6-151427586-GAAGAA-G. GRCh37 (hg19) VCF-style: chr6-151748721-GAAGAA-G.
Other names: c.220-9_220-5del (NM_001271937.2).
Identifiers: ClinVar variation 2174374 (VCV002174374.1), dbSNP rs1420193846, ClinGen allele CA571118012.

ClinVar aggregate classification (germline): Uncertain significance (1 of 4 stars; one submission).

Submission:

Labcorp Genetics (formerly Invitae), Labcorp
Classification: Uncertain significance. Last evaluated: 2022-10-17. Review status: criteria provided, single submitter. Criteria: Invitae Variant Classification Sherloc (09022015). Collection method: clinical testing. Allele origin: germline.
Comment: This sequence change falls in intron 5 of the RMND1 gene. It does not directly change the encoded amino acid sequence of the RMND1 protein. This variant is present in population databases (no rsID available, gnomAD 0.003%). This variant has not been reported in the literature in individuals affected with RMND1-related conditions. Algorithms developed to predict the effect of sequence changes on RNA splicing suggest that this variant may disrupt the consensus splice site. In summary, the available evidence is currently insufficient to determine the role of this variant in disease. Therefore, it has been classified as a Variant of Uncertain Significance.